The following is an entry in ClinVar:

ClinVar aggregate classification (germline): Uncertain significance (1 of 4 stars; one submission).

Submission:

Labcorp Genetics (formerly Invitae), Labcorp
Classification: Uncertain significance. Last evaluated: 2022-07-19. Review status: criteria provided, single submitter. Criteria: Invitae Variant Classification Sherloc (09022015). Collection method: clinical testing. Allele origin: germline.
Comment: In summary, the available evidence is currently insufficient to determine the role of this variant in disease. Therefore, it has been classified as a Variant of Uncertain Significance. Algorithms developed to predict the effect of missense changes on protein structure and function (SIFT, PolyPhen-2, Align-GVGD) all suggest that this variant is likely to be tolerated. ClinVar contains an entry for this variant (Variation ID: 1439127). This variant has not been reported in the literature in individuals affected with TBCE-related conditions. This variant is not present in population databases (gnomAD no frequency). This sequence change replaces isoleucine, which is neutral and non-polar, with methionine, which is neutral and non-polar, at codon 265 of the TBCE protein (p.Ile265Met).

NM_003193.5(TBCE):c.795T>G (p.Ile265Met)

Gene: TBCE (tubulin folding cofactor E; plus strand). Cytogenetic location: 1q42.3.
Variant type: single nucleotide variant.
Coding change: c.795T>G on transcript NM_003193.5 (MANE Select); coding-DNA position 795, T replaced by G.
Protein change: p.Ile265Met; replaces isoleucine 265 with methionine.
Molecular consequence: missense variant.
Genome position (GRCh38, 1-based): chr1:235,435,802, T>G. VCF-style: chr1-235435802-T-G. GRCh37 (hg19) VCF-style: chr1-235599117-T-G.
Other names: c.795T>G, p.Ile265Met (NM_001079515.3); c.948T>G, p.Ile316Met (NM_001287801.2); c.456T>G, p.Ile152Met (NM_001287802.2); short protein forms I152M, I265M, I316M.
Identifiers: ClinVar variation 1439127 (VCV001439127.6), dbSNP rs2102922908, ClinGen allele CA344938110.